The following is an entry in ClinVar:

ClinVar aggregate classification (germline): Uncertain significance (1 of 4 stars; one submission).

Conditions:
Familial encephalopathy with neuroserpin inclusion bodies. Also called: ENCEPHALOPATHY, FAMILIAL, WITH COLLINS BODIES. Identifiers: Orphanet 85110, MedGen C1858680, MONDO:0011412, OMIM 604218.

gnomAD v4.1: 13 of 1,613,486 alleles (0.00081%); highest among the groups gnomAD compares: South Asian, 0.014%; no homozygotes.

Submission:

Labcorp Genetics (formerly Invitae), Labcorp
Classification: Uncertain significance for Familial encephalopathy with neuroserpin inclusion bodies. Last evaluated: 2022-01-17. Review status: criteria provided, single submitter. Criteria: Invitae Variant Classification Sherloc (09022015). Collection method: clinical testing. Allele origin: germline.
Comment: In summary, the available evidence is currently insufficient to determine the role of this variant in disease. Therefore, it has been classified as a Variant of Uncertain Significance. Advanced modeling of protein sequence and biophysical properties (such as structural, functional, and spatial information, amino acid conservation, physicochemical variation, residue mobility, and thermodynamic stability) performed at Invitae indicates that this missense variant is not expected to disrupt SERPINI1 protein function. This variant has not been reported in the literature in individuals affected with SERPINI1-related conditions. This variant is present in population databases (rs144637103, gnomAD 0.03%). This sequence change replaces methionine, which is neutral and non-polar, with leucine, which is neutral and non-polar, at codon 395 of the SERPINI1 protein (p.Met395Leu).

NM_001122752.2(SERPINI1):c.1183A>C (p.Met395Leu)

Gene: SERPINI1 (serpin family I member 1; plus strand). Cytogenetic location: 3q26.1.
Variant type: single nucleotide variant.
Coding change: c.1183A>C on transcript NM_001122752.2 (MANE Select); coding-DNA position 1183, A replaced by C.
Protein change: p.Met395Leu; replaces methionine 395 with leucine.
Molecular consequence: missense variant.
Genome position (GRCh38, 1-based): chr3:167,825,273, A>C. VCF-style: chr3-167825273-A-C. GRCh37 (hg19) VCF-style: chr3-167543061-A-C.
Other names: c.1183A>C, p.Met395Leu (NM_005025.5); short protein forms M395L.
Identifiers: ClinVar variation 1955857 (VCV001955857.5), dbSNP rs144637103, ClinGen allele CA2695013.
Genomic context (GRCh38, chr3:167,825,273, plus strand): 5'-ACCCCCTCTTTTGTTTACTTCTGAACCAATACAGGTACAATTCTATTCATGGGACGAGTC[A>C]TGCATCCTGAAACAATGAACACAAGTGGACATGATTTCGAAGAACTTTAAGTTACTTTAT-3'
Protein context (NP_001116224.1, residues 385-405): TGTILFMGRV[Met395Leu]HPETMNTSGH